The following is an entry in ClinVar:

ClinVar aggregate classification (germline): Uncertain significance (1 of 4 stars; one submission).

Conditions:
Arrhythmogenic cardiomyopathy with wooly hair and keratoderma. Also called: PALMOPLANTAR KERATODERMA WITH LEFT VENTRICULAR CARDIOMYOPATHY AND WOOLLY HAIR; Dilated cardiomyopathy with woolly hair and keratoderma; Carvajal syndrome; Arrhythmogenic cardiomyopathy with woolly hair and keratoderma. Identifiers: Orphanet 65282, MedGen C1854063, MONDO:0011581, OMIM 605676.
Arrhythmogenic right ventricular dysplasia 8 (ARVD8). Also called: Arrhythmogenic Right Ventricular Dysplasia/Cardiomyopathy 8; ARRHYTHMOGENIC RIGHT VENTRICULAR DYSPLASIA, FAMILIAL, 8; ARRHYTHMOGENIC RIGHT VENTRICULAR CARDIOMYOPATHY 8. Identifiers: MedGen C1843896, MONDO:0011831, OMIM 607450.

Submission:

Labcorp Genetics (formerly Invitae), Labcorp
Classification: Uncertain significance for Arrhythmogenic cardiomyopathy with wooly hair and keratoderma; Arrhythmogenic right ventricular dysplasia 8. Last evaluated: 2024-10-03. Review status: criteria provided, single submitter. Criteria: Invitae Variant Classification Sherloc (09022015). Collection method: clinical testing. Allele origin: germline.
Comment: This sequence change replaces lysine, which is basic and polar, with threonine, which is neutral and polar, at codon 525 of the DSP protein (p.Lys525Thr). This variant is not present in population databases (gnomAD no frequency). This variant has not been reported in the literature in individuals affected with DSP-related conditions. An algorithm developed to predict the effect of missense changes on protein structure and function (PolyPhen-2) suggests that this variant is likely to be disruptive. In summary, the available evidence is currently insufficient to determine the role of this variant in disease. Therefore, it has been classified as a Variant of Uncertain Significance.

NM_004415.4(DSP):c.1574A>C (p.Lys525Thr)

Gene: DSP (desmoplakin; plus strand). Cytogenetic location: 6p24.3.
Variant type: single nucleotide variant.
Coding change: c.1574A>C on transcript NM_004415.4 (MANE Select); coding-DNA position 1574, A replaced by C.
Protein change: p.Lys525Thr; replaces lysine 525 with threonine.
Molecular consequence: missense variant.
Genome position (GRCh38, 1-based): chr6:7,569,340, A>C. VCF-style: chr6-7569340-A-C. GRCh37 (hg19) VCF-style: chr6-7569573-A-C.
Other names: c.1574A>C, p.Lys525Thr (NM_001008844.3, NM_001319034.2); short protein forms K525T.
Identifiers: ClinVar variation 3749238 (VCV003749238.2).
Genomic context (GRCh38, chr6:7,569,340, plus strand): 5'-TTCCCTCTGTGGGGCTGATCATCCCTCCTCCGAACCCACTGGCCGTGGACCTCTCTTGCA[A>C]GTAAGTCATCCAAGTTCCCAAAGCCACGCATGCACGCATGAATGTGAGGGCAGAGGAAGA-3'
Protein context (NP_004406.2, residues 515-535): PNPLAVDLSC[Lys525Thr]IEQYYEAILA